The following is an entry in ClinVar:

ClinVar aggregate classification (germline): Uncertain significance (1 of 4 stars; one submission).

Submission:

GeneDx
Classification: Uncertain significance. Last evaluated: 2025-01-03. Review status: criteria provided, single submitter. Criteria: GeneDx Variant Classification Process June 2021. Collection method: clinical testing. Allele origin: germline. Affected: yes.
Comment: Not observed at significant frequency in large population cohorts (gnomAD); In silico analysis indicates that this missense variant does not alter protein structure/function; Has not been previously published as pathogenic or benign to our knowledge

NM_000814.6(GABRB3):c.907G>A (p.Val303Ile)

Gene: GABRB3 (gamma-aminobutyric acid type A receptor subunit beta3; minus strand). Cytogenetic location: 15q12.
Variant type: single nucleotide variant.
Coding change: c.907G>A on transcript NM_000814.6 (MANE Select); coding-DNA position 907, G replaced by A.
Protein change: p.Val303Ile; replaces valine 303 with isoleucine.
Molecular consequence: missense variant.
Genome position (GRCh38, 1-based): chr15:26,561,105, C>T on the plus strand (G>A on the coding strand, the complement: GABRB3 is on the minus strand). VCF-style: chr15-26561105-C-T. GRCh37 (hg19) VCF-style: chr15-26806252-C-T.
Other names: c.652G>A, p.Val218Ile (NM_001191320.2, NM_001278631.2); c.694G>A, p.Val232Ile (NM_001191321.3); c.907G>A, p.Val303Ile (NM_021912.5); short protein forms V218I, V232I, V303I.
Identifiers: ClinVar variation 4055903 (VCV004055903.1).